The following is an entry in ClinVar:

ClinVar aggregate classification (germline): Uncertain significance. Review status: criteria provided, multiple submitters, no conflicts (2 of 4 stars). 2 submissions from 2 submitters: Uncertain significance (2). Last evaluated 2020-01-23.

Conditions:
Hereditary spastic paraplegia 48. Also called: SPASTIC PARAPLEGIA 48, AUTOSOMAL RECESSIVE; Spastic paraplegia 48. Identifiers: Orphanet 306511, MedGen C3150901, MONDO:0013342, OMIM 613647.

Allele frequency attached by ClinVar (database versions not stated): TOPMed 0.00001; gnomAD 0.00002; gnomAD exomes 0.00008.
gnomAD v4.1: 119 of 1,608,682 alleles (0.0074%); highest among the groups gnomAD compares: Non-Finnish European, 0.0099%; no homozygotes.

Submissions (2):

Mayo Clinic Laboratories, Mayo Clinic
Classification: Uncertain significance. Last evaluated: 2020-01-23. Review status: criteria provided, single submitter. Criteria: ACMG Guidelines, 2015. Collection method: clinical testing. Allele origin: germline. Observed: 1 variant allele.

Labcorp Genetics (formerly Invitae), Labcorp
Classification: Uncertain significance for Spastic paraplegia 48, autosomal recessive. Last evaluated: 2018-11-30. Review status: criteria provided, single submitter. Criteria: Invitae Variant Classification Sherloc (09022015). Collection method: clinical testing. Allele origin: germline.
Comment: This sequence change replaces threonine with isoleucine at codon 682 of the AP5Z1 protein (p.Thr682Ile). The threonine residue is highly conserved and there is a moderate physicochemical difference between threonine and isoleucine. This variant is not present in population databases (ExAC no frequency). This variant has not been reported in the literature in individuals with AP5Z1-related conditions. Algorithms developed to predict the effect of missense changes on protein structure and function are either unavailable or do not agree on the potential impact of this missense change (SIFT: "Deleterious"; PolyPhen-2: "Possibly Damaging"; Align-GVGD: "Class C0"). In summary, the available evidence is currently insufficient to determine the role of this variant in disease. Therefore, it has been classified as a Variant of Uncertain Significance.

NM_014855.3(AP5Z1):c.2045C>T (p.Thr682Ile)

Gene: AP5Z1 (adaptor related protein complex 5 subunit zeta 1; plus strand). Cytogenetic location: 7p22.1.
Variant type: single nucleotide variant.
Coding change: c.2045C>T on transcript NM_014855.3 (MANE Select); coding-DNA position 2045, C replaced by T.
Protein change: p.Thr682Ile; replaces threonine 682 with isoleucine.
Molecular consequence: missense variant. On other transcripts: non-coding transcript variant (1).
Genome position (GRCh38, 1-based): chr7:4,790,779, C>T. VCF-style: chr7-4790779-C-T. GRCh37 (hg19) VCF-style: chr7-4830410-C-T.
Other names: c.2045C>T, p.Thr682Ile (LRG_1247t1); c.1577C>T, p.Thr526Ile (NM_001364858.1); short protein forms T526I, T682I.
Identifiers: ClinVar variation 641748 (VCV000641748.6), dbSNP rs1272533081, ClinGen allele CA366664875.